The following is an entry in ClinVar:

NM_000329.3(RPE65):c.931del (p.Leu311fs)

Gene: RPE65 (retinoid isomerohydrolase RPE65; minus strand). Cytogenetic location: 1p31.3.
Variant type: Deletion.
Coding change: c.931del on transcript NM_000329.3 (MANE Select); coding-DNA position 931, one base deleted (C; older notation c.931delC).
Protein change: p.Leu311fs; shifts the reading frame from leucine 311.
Molecular consequence: frameshift variant.
Genome position (GRCh38, 1-based): chr1:68,439,009, G deleted on the plus strand (C on the coding strand, the reverse complement: RPE65 is on the minus strand); the first of 2 consecutive G bases (chr1:68,439,009-68,439,010); deleting either gives the same sequence. VCF-style (leftmost placement, unchanged base first): chr1-68439008-AG-A. GRCh37 (hg19) VCF-style: chr1-68904691-AG-A.
Other names: c.823del, p.Leu275fs (NM_001406853.1); c.655del, p.Leu219fs (NM_001406856.1, NM_001406857.1); c.931del, p.Leu311fs (NM_001406859.1); short protein forms L219fs, L275fs, L311fs.
Identifiers: ClinVar variation 5011376 (VCV005011376.1).

ClinVar aggregate classification (germline): Pathogenic (1 of 4 stars; one submission).

Conditions:
RPE65-related recessive retinopathy. Also called: Recessive RPE65 retinopathy. Identifiers: MedGen CN305526, MONDO:0100368.

Submission:

Myriad Genetics, Inc.
Classification: Pathogenic for RPE65-related recessive retinopathy. Last evaluated: 2023-08-17. Review status: criteria provided, single submitter. Criteria: Myriad Autosomal Dominant, Autosomal Recessive and X-Linked Classification Criteria (2023). Collection method: clinical testing. Allele origin: unknown.
Comment: NM_000329.2(RPE65):c.931delC(L311Sfs*14) is expected to be pathogenic in the context of inherited retinal dystrophy, RPE65-related. This variant is predicted to lead to an abnormal or absent protein product due to the creation of a premature termination codon in RPE65, a gene where loss-of-function variants are known to be pathogenic. Please note: this variant was assessed in the context of healthy population screening.